The following is an entry in ClinVar:

NM_030665.4(RAI1):c.2965A>G (p.Lys989Glu)

Gene: RAI1 (retinoic acid induced 1; plus strand). Cytogenetic location: 17p11.2.
Variant type: single nucleotide variant.
Coding change: c.2965A>G on transcript NM_030665.4 (MANE Select); coding-DNA position 2965, A replaced by G.
Protein change: p.Lys989Glu; replaces lysine 989 with glutamic acid.
Molecular consequence: missense variant.
Genome position (GRCh38, 1-based): chr17:17,795,913, A>G. VCF-style: chr17-17795913-A-G. GRCh37 (hg19) VCF-style: chr17-17699227-A-G.
Other names: short protein forms K989E.
Identifiers: ClinVar variation 450056 (VCV000450056.25), dbSNP rs993240093, ClinGen allele CA288370158.
Genomic context (GRCh38, chr17:17,795,913, plus strand): 5'-GACGCCTCTCTGGCCCAGAAGCCCAACAAGCCTGCTGTGCCCGAGGCGCCCATCGCAAAG[A>G]AAGAGCCTGTGCCACGGGGCAAAAGCTTACGGAGCCGTCGGGTGCACCGGGGGCTGCCCG-3'
Protein context (NP_109590.3, residues 979-999): PAVPEAPIAK[Lys989Glu]EPVPRGKSLR

ClinVar aggregate classification (germline): Conflicting classifications of pathogenicity. Review status: criteria provided, conflicting classifications (1 of 4 stars). 4 submissions from 4 submitters: Uncertain significance (2); Benign (1); Likely benign (1). Last evaluated 2025-04-09.

Conditions:
RAI1-related disorder. Also called: RAI1-related condition.

Allele frequency attached by ClinVar (database versions not stated): gnomAD exomes 0.00002 and 0.00005; gnomAD 0.00003 and 0.00004; TOPMed 0.00003.
gnomAD v4.1: 77 of 1,610,654 alleles (0.0048%); highest among the groups gnomAD compares: Non-Finnish European, 0.0059%; no homozygotes.

Submissions (4):

Labcorp Genetics (formerly Invitae), Labcorp
Classification: Benign. Last evaluated: 2025-04-09. Review status: criteria provided, single submitter. Criteria: Invitae Variant Classification Sherloc (09022015). Collection method: clinical testing. Allele origin: germline.

PreventionGenetics, part of Exact Sciences
Classification: Uncertain significance for RAI1-related condition. Last evaluated: 2025-03-19. Review status: criteria provided, single submitter. Criteria: ACMG Guidelines, 2015. Collection method: clinical testing. Allele origin: germline.
Comment: The RAI1 c.2965A>G variant is predicted to result in the amino acid substitution p.Lys989Glu. To our knowledge, this variant has not been reported in the literature. This variant is reported in 0.0036% of alleles in individuals of European (Non-Finnish) descent in gnomAD. At this time, the clinical significance of this variant is uncertain due to the absence of conclusive functional and genetic evidence.

CeGaT Center for Human Genetics Tuebingen
Classification: Likely benign. Last evaluated: 2024-10-01. Review status: criteria provided, single submitter. Criteria: CeGaT Center For Human Genetics Tuebingen Variant Classification Criteria Version 2. Collection method: clinical testing. Allele origin: germline. Affected: yes. Observed: 1 variant allele.
Comment: RAI1: BS2

GeneDx
Classification: Uncertain significance. Last evaluated: 2017-06-23. Review status: criteria provided, single submitter. Criteria: GeneDx Variant Classification (06012015). Collection method: clinical testing. Allele origin: germline. Affected: yes.
Comment: The K989E variant in the RAI1 gene has not been reported previously as a pathogenic variant, nor as a benign variant, to our knowledge. This variant is not observed in large population cohorts (Lek et al., 2016; 1000 Genomes Consortium et al., 2015; Exome Variant Server). The K989E variant is a non-conservative amino acid substitution, which is likely to impact secondary protein structure as these residues differ in polarity, charge, size and/or other properties. This substitution occurs at a position that is not conserved. In silico analysis predicts this variant likely does not alter the protein structure/function. We interpret K989E as a variant of uncertain significance.